The following is an entry in ClinVar:

NM_005419.4(STAT2):c.676dup (p.Thr226fs)

Gene: STAT2 (signal transducer and activator of transcription 2; minus strand). Cytogenetic location: 12q13.3.
Variant type: Duplication.
Coding change: c.676dup on transcript NM_005419.4 (MANE Select); coding-DNA position 676, one base duplicated (A; older notation c.676dupA).
Protein change: p.Thr226fs; shifts the reading frame from threonine 226.
Molecular consequence: frameshift variant.
Genome position (GRCh38, 1-based): chr12:56,354,572, T duplicated on the plus strand (A on the coding strand, the reverse complement: STAT2 is on the minus strand). VCF-style (leftmost placement, unchanged base first): chr12-56354571-G-GT. GRCh37 (hg19) VCF-style: chr12-56748355-G-GT.
Other names: c.664dup, p.Thr222fs (NM_001385110.1, NM_001385115.1, NM_198332.2); c.676dup, p.Thr226fs (NM_001385111.1, NM_001385113.1, NM_001385114.1); short protein forms T222fs, T226fs.
Identifiers: ClinVar variation 1360363 (VCV001360363.6), dbSNP rs2136083409, ClinGen allele CA2523366831.

ClinVar aggregate classification (germline): Pathogenic (1 of 4 stars; one submission).

Conditions:
Primary immunodeficiency with post-measles-mumps-rubella vaccine viral infection. Also called: Immunodeficiency 44. Identifiers: Orphanet 431166, MedGen C4225260, MONDO:0014715, OMIM 616636.

Allele frequency attached by ClinVar (database versions not stated): gnomAD exomes 0.00001.

Submission:

Labcorp Genetics (formerly Invitae), Labcorp
Classification: Pathogenic for Primary immunodeficiency with post-measles-mumps-rubella vaccine viral infection. Last evaluated: 2021-01-04. Review status: criteria provided, single submitter. Criteria: Invitae Variant Classification Sherloc (09022015). Collection method: clinical testing. Allele origin: germline.
Comment: For these reasons, this variant has been classified as Pathogenic. This variant has not been reported in the literature in individuals with STAT2-related conditions. This variant is not present in population databases (ExAC no frequency). This sequence change creates a premature translational stop signal (p.Thr226Asnfs*27) in the STAT2 gene. It is expected to result in an absent or disrupted protein product. Loss-of-function variants in STAT2 are known to be pathogenic (PMID: 23391734, 26122121).

Literature cited by the submitters: PubMed 23391734; PubMed 26122121.